The following is an entry in ClinVar:

ClinVar aggregate classification (germline): Pathogenic/Likely pathogenic. Review status: criteria provided, multiple submitters, no conflicts (2 of 4 stars). 13 submissions from 13 submitters: Pathogenic (9); Likely pathogenic (2). 2 of the submissions do not count toward it. Last evaluated 2026-01-23.

Conditions:
Canavan Disease, Familial Form. Identifiers: MedGen C0751663.
Autism (AUTS). Also called: Autistic disorder; Autistic disorder of childhood onset. Identifiers: MedGen C0004352, MeSH D001321, MONDO:0005260, OMIM 209850, HP:0000717.
Spongy degeneration of central nervous system. Also called: Canavan disease; Von Bogaert-Bertrand disease; ACY2 DEFICIENCY; AMINOACYLASE 2 DEFICIENCY; ASP DEFICIENCY; ASPA DEFICIENCY. Identifiers: Orphanet 141, MedGen C0206307, MONDO:0010079, OMIM 271900.

Allele frequency attached by ClinVar (database versions not stated): gnomAD 0.00001; gnomAD exomes 0.00001; ExAC 0.00001.
gnomAD v4.1: 7 of 1,589,510 alleles (0.00044%); highest among the groups gnomAD compares: South Asian, 0.0022%; no homozygotes.

Submissions (13):

Natera, Inc.
Classification: Pathogenic for Canavan Disease. Last evaluated: 2026-01-23. Review status: criteria provided, single submitter. Criteria: Natera Variant Classification Schema (03/2026). Collection method: clinical testing. Allele origin: germline.
Comment: The c.634+1G>T variant in ASPA is a canonical splice donor site variant predicted to affect pre-mRNA splicing, which may result in an abnormal transcript and altered protein product. This variant is expected to result in nonsense mediated decay, truncation, or a dysfunctional protein product. This variant is rare in the general population with a frequency below the threshold expected for the associated phenotype(s). This variant has been observed in one or more individuals affected with the associated recessive disease, as either homozygous or compound heterozygous with a second variant (PMID: 16854607, 18978679, 34011350). Given the available evidence, this variant is classified as Pathogenic.

Women's Health and Genetics/Laboratory Corporation of America, LabCorp
Classification: Pathogenic for Canavan Disease, Familial Form. Last evaluated: 2025-03-05. Review status: criteria provided, single submitter. Criteria: LabCorp Variant Classification Summary - May 2015. Collection method: clinical testing. Allele origin: germline.
Comment: Variant summary: ASPA c.634+1G>T is located in a canonical splice-site and is predicted to affect mRNA splicing resulting in a significantly altered protein due to either exon skipping, shortening, or inclusion of intronic material. Variants that disrupt the consensus splice site are a relatively common cause of aberrant splicing and loss of ASPA function. Several computational tools predict a significant impact on normal splicing: Four predict the variant abolishes a canonical 5' splicing donor site. However, these predictions have yet to be confirmed by functional studies. The variant allele was found at a frequency of 8e-06 in 251096 control chromosomes. c.634+1G>T has been reported in the literature in individuals affected with Canavan Disease (Rady_2000, Zeng_2006, Kaya_ASPA_2008). These data indicate that the variant is likely to be associated with disease. The following publications have been ascertained in the context of this evaluation (PMID: 18978679, 16854607, 10701101). ClinVar contains an entry for this variant (Variation ID: 551174). Based on the evidence outlined above, the variant was classified as pathogenic.

Labcorp Genetics (formerly Invitae), Labcorp
Classification: Pathogenic for Spongy degeneration of central nervous system. Last evaluated: 2024-05-30. Review status: criteria provided, single submitter. Criteria: Invitae Variant Classification Sherloc (09022015). Collection method: clinical testing. Allele origin: germline.
Comment: This sequence change affects a donor splice site in intron 4 of the ASPA gene. It is expected to disrupt RNA splicing. Variants that disrupt the donor or acceptor splice site typically lead to a loss of protein function (PMID: 16199547), and loss-of-function variants in ASPA are known to be pathogenic (PMID: 12638939). This variant is present in population databases (rs753871454, gnomAD 0.003%). Disruption of this splice site has been observed in individuals with Canavan disease (PMID: 10701101, 16854607, 18978679). ClinVar contains an entry for this variant (Variation ID: 551174). Algorithms developed to predict the effect of sequence changes on RNA splicing suggest that this variant may disrupt the consensus splice site. For these reasons, this variant has been classified as Pathogenic.

Fulgent Genetics
Classification: Likely pathogenic for Spongy degeneration of central nervous system. Last evaluated: 2024-03-17. Review status: criteria provided, single submitter. Criteria: ACMG Guidelines, 2015. Collection method: clinical testing. Allele origin: germline.

Myriad Genetics, Inc.
Classification: Pathogenic for Spongy degeneration of central nervous system. Last evaluated: 2021-11-08. Review status: criteria provided, single submitter. Criteria: Myriad Women's Health Autosomal Recessive and X-Linked Classification Criteria (2021). Collection method: clinical testing. Allele origin: unknown.
Comment: NM_000049.2(ASPA):c.634+1G>T is a canonical splice variant classified as pathogenic in the context of Canavan disease. c.634+1G>T has been observed in cases with relevant disease (PMID: 10701101, 33547378). Functional assessments of this variant are not available in the literature. c.634+1G>T has been observed in population frequency databases (gnomAD: SAS 0.003%). In summary, NM_000049.2(ASPA):c.634+1G>T is a canonical splice variant that has been observed more frequently in cases with the relevant disease than in healthy populations. Please note: this variant was assessed in the context of healthy population screening.

Genome-Nilou Lab
Classification: Pathogenic for Spongy degeneration of central nervous system. Last evaluated: 2021-11-07. Review status: criteria provided, single submitter. Criteria: ACMG Guidelines, 2015. Collection method: clinical testing. Allele origin: germline. Affected: no.

CeGaT Center for Human Genetics Tuebingen
Classification: Pathogenic. Last evaluated: 2018-04-01. Review status: criteria provided, single submitter. Criteria: CeGaT Center For Human Genetics Tuebingen Variant Classification Criteria Version 2. Collection method: clinical testing. Allele origin: germline. Affected: yes. Observed: 1 variant allele.

Illumina Laboratory Services, Illumina
Classification: Likely pathogenic for Spongy degeneration of central nervous system. Last evaluated: 2017-12-05. Review status: criteria provided, single submitter. Criteria: ICSL Variant Classification Criteria 09 May 2019. Collection method: clinical testing. Allele origin: germline.
Comment: The ASPA c.634+1G>T variant occurs in a canonical splice site (donor) and is therefore predicted to disrupt or distort the normal gene product. The c.634+1G>T variant has been reported in three studies and is found in a homozygous state in three unrelated probands (Rady et al. 2000; Kaya et al. 2008; Madhavarao et al. 2009). The probands were all clinically diagnosed with Canavan disease and have variable phenotypic expressivity. The variant was also identified in a heterozygous state in the unaffected parents and an unaffected sibling of one of the probands (Rady et al. 2000). Control data are unavailable for this variant, which is reported at a frequency of 0.000011 in the Total population from the Genome Aggregation Database. Based on the evidence and the potential impact of splice donor variants, the c.634+1G>T variant is classified as likely pathogenic for Canavan disease. This variant was observed by ICSL as part of a predisposition screen in an ostensibly healthy population.

Juno Genomics, Hangzhou Juno Genomics, Inc
Classification: Pathogenic for Spongy degeneration of central nervous system. Review status: criteria provided, single submitter. Criteria: ACMG Guidelines, 2015. Collection method: clinical testing. Allele origin: germline. Affected: yes.
Comment: Null variant in a gene where loss of function (LOF) is a known mechanism of disease.;Absent from controls (or at extremely low frequency if recessive) in Genome Aggregation Database, Exome Sequencing Project, 1000 Genomes Project, or Exome Aggregation Consortium.;For recessive disorders, detected in trans with a pathogenic variant.;Patient's phenotype or family history is highly specific for a disease with a single genetic etiology.

Kariminejad - Najmabadi Pathology & Genetics Center
Classification: Pathogenic for Spongy degeneration of central nervous system. Review status: criteria provided, single submitter. Criteria: ACMG Guidelines, 2015. Collection method: clinical testing. Allele origin: germline. Affected: no.

Neuberg Centre For Genomic Medicine, NCGM
Classification: Pathogenic for Spongy degeneration of central nervous system. Review status: criteria provided, single submitter. Criteria: ACMG Guidelines, 2015. Collection method: clinical testing. Allele origin: germline. Affected: yes.
Comment: The splice donor variant c.634+1G>T in ASPA (NM_000049.4) has been reported previously in affected patients (Rady et al, 2000; Kaya et al, 2008; Madhavarao et al, 2009). It has been submitted to ClinVar as Pathogenic. The c.634+1G>T variant is observed in 1/30,538 (0.0033%) alleles from individuals of South Asian background in gnomAD Exomes and is novel (not in any individuals) in 1000 Genomes. The variant affects an invariant splice nucleotide and is predicted to cause loss of function. Loss of function variants have been reported to be disease causing in ASPA gene. For these reasons, this variant has been classified as Pathogenic.

Centre for Addiction & Mental Health
Classification: Likely pathogenic for Autism. Review status: no assertion criteria provided. Collection method: research. Allele origin: biparental. Affected: yes. Observed: 1 homozygote. Segregation with disease observed. Not counted in ClinVar's aggregate classification.
Comment: Putative loss-of-function variant, biallelic, in known disease gene; effect of canonical splice donor variant not yet validated

Myelin Disorders Clinic-Children's Medical Center/Medical Genetics Lab-Tarbiat Modares University, Children's Medical Center, Pediatrics Center of Excellence,
Classification: Uncertain significance for Spongy degeneration of central nervous system. Review status: no assertion criteria provided. Collection method: clinical testing. Allele origin: inherited. Inheritance: Autosomal recessive inheritance. Affected: yes. Not counted in ClinVar's aggregate classification.

Literature cited by the submitters: PubMed 16854607 (cited by 3 submitters); PubMed 18978679 (cited by 4 submitters); PubMed 34011350 (cited by Natera, Inc.); PubMed 10701101 (cited by 4 submitters); PubMed 16199547 (cited by Labcorp Genetics (formerly Invitae), Labcorp); PubMed 12638939 (cited by Labcorp Genetics (formerly Invitae), Labcorp); PubMed 33547378 (cited by Myriad Genetics, Inc.); PubMed 19685155 (cited by Illumina Laboratory Services, Illumina).

NM_000049.4(ASPA):c.634+1G>T

Genes: ASPA (aspartoacylase; plus strand), SPATA22 (spermatogenesis associated 22; minus strand). Cytogenetic location: 17p13.2.
Variant type: single nucleotide variant.
Coding change: c.634+1G>T on transcript NM_000049.4 (MANE Select); the canonical splice donor site of the intron after coding-DNA position 634, G replaced by T.
Molecular consequence: splice donor variant. On other transcripts: intron variant (2).
Genome position (GRCh38, 1-based): chr17:3,489,343, G>T. VCF-style: chr17-3489343-G-T. GRCh37 (hg19) VCF-style: chr17-3392637-G-T.
Other names: c.-73-19945C>A (NM_001321336.2, NM_001321337.2); c.634+1G>T (NM_001128085.1); c.[634+1G>T] (NM_000049.2).
Identifiers: ClinVar variation 551174 (VCV000551174.74), dbSNP rs753871454, ClinGen allele CA8288982.